The following is an entry in ClinVar:

ClinVar aggregate classification (germline): Likely benign. Review status: criteria provided, multiple submitters, no conflicts (2 of 4 stars). 4 submissions from 4 submitters: Likely benign (3). 1 of the submissions does not count toward it. Last evaluated 2026-04-01.

Conditions:
SAMHD1-related disorder. Also called: SAMHD1-related condition.
Aicardi-Goutieres syndrome 5. Identifiers: Orphanet 51, MedGen C2749659, MONDO:0013059, OMIM 612952.

Allele frequency attached by ClinVar (database versions not stated): gnomAD 0.00001; ExAC 0.00002; TOPMed 0.00003; gnomAD exomes 0.00004 and 0.00005.
gnomAD v4.1: 73 of 1,613,842 alleles (0.0045%); highest among the groups gnomAD compares: Non-Finnish European, 0.0059%; no homozygotes.

Submissions (4):

CeGaT Center for Human Genetics Tuebingen
Classification: Likely benign. Last evaluated: 2026-04-01. Review status: criteria provided, single submitter. Criteria: CeGaT Center For Human Genetics Tuebingen Variant Classification Criteria Version 2. Collection method: clinical testing. Allele origin: germline. Affected: yes. Observed: 1 variant allele.
Comment: SAMHD1: BP4, BP7

Labcorp Genetics (formerly Invitae), Labcorp
Classification: Likely benign for Aicardi-Goutieres syndrome 5. Last evaluated: 2025-11-23. Review status: criteria provided, single submitter. Criteria: Invitae Variant Classification Sherloc (09022015). Collection method: clinical testing. Allele origin: germline.

Blueprint Genetics
Classification: Likely benign. Last evaluated: 2024-04-10. Review status: criteria provided, single submitter. Criteria: ACMG Guidelines, 2015. Collection method: clinical testing. Allele origin: germline.

PreventionGenetics, part of Exact Sciences
Classification: Likely benign for SAMHD1-related condition. Last evaluated: 2020-02-21. Review status: no assertion criteria provided. Collection method: clinical testing. Allele origin: germline. Not counted in ClinVar's aggregate classification.
Comment: This variant is classified as likely benign based on ACMG/AMP sequence variant interpretation guidelines (Richards et al. 2015 PMID: 25741868, with internal and published modifications).

NM_015474.4(SAMHD1):c.537T>A (p.Val179=)

Gene: SAMHD1 (SAM and HD domain containing deoxynucleoside triphosphate triphosphohydrolase 1; minus strand). Cytogenetic location: 20q11.23.
Variant type: single nucleotide variant.
Coding change: c.537T>A on transcript NM_015474.4 (MANE Select); coding-DNA position 537, T replaced by A.
Protein change: p.Val179=; no amino-acid change (valine 179 retained).
Molecular consequence: synonymous variant.
Genome position (GRCh38, 1-based): chr20:36,930,848, A>T on the plus strand (T>A on the coding strand, the complement: SAMHD1 is on the minus strand). VCF-style: chr20-36930848-A-T. GRCh37 (hg19) VCF-style: chr20-35559251-A-T.
Other names: c.537T>A, p.Val179= (NM_001363729.2, NM_001363733.2); c.537T>A (NM_015474.3).
Identifiers: ClinVar variation 1079893 (VCV001079893.12), dbSNP rs749581263, ClinGen allele CA9844710.